The following is an entry in ClinVar:

NM_006907.4(PYCR1):c.199T>C (p.Phe67Leu)

Gene: PYCR1 (pyrroline-5-carboxylate reductase 1; minus strand). Cytogenetic location: 17q25.3.
Variant type: single nucleotide variant.
Coding change: c.199T>C on transcript NM_006907.4 (MANE Select); coding-DNA position 199, T replaced by C.
Protein change: p.Phe67Leu; replaces phenylalanine 67 with leucine.
Molecular consequence: missense variant.
Genome position (GRCh38, 1-based): chr17:81,935,456, A>G on the plus strand (T>C on the coding strand, the complement: PYCR1 is on the minus strand). VCF-style: chr17-81935456-A-G. GRCh37 (hg19) VCF-style: chr17-79893332-A-G.
Other names: c.199T>C, p.Phe67Leu (NM_001282280.2, NM_001330523.2, NM_153824.3 and 1 more transcripts); c.280T>C, p.Phe94Leu (NM_001282281.2); short protein forms F94L, F67L.
Identifiers: ClinVar variation 1469758 (VCV001469758.3), dbSNP rs761922197, ClinGen allele CA8845531.

ClinVar aggregate classification (germline): Uncertain significance (1 of 4 stars; one submission).

Allele frequency attached by ClinVar (database versions not stated): gnomAD exomes below 0.00001; ExAC 0.00002; TOPMed 0.00002; gnomAD 0.00003 and 0.00004.
gnomAD v4.1: 8 of 1,613,328 alleles (0.0005%); highest among the groups gnomAD compares: African/African-American, 0.0093%; no homozygotes.

Submission:

Labcorp Genetics (formerly Invitae), Labcorp
Classification: Uncertain significance. Last evaluated: 2021-09-24. Review status: criteria provided, single submitter. Criteria: Invitae Variant Classification Sherloc (09022015). Collection method: clinical testing. Allele origin: germline.
Comment: This sequence change replaces phenylalanine with leucine at codon 67 of the PYCR1 protein (p.Phe67Leu). The phenylalanine residue is highly conserved and there is a small physicochemical difference between phenylalanine and leucine. The frequency data for this variant in the population databases is considered unreliable, as metrics indicate poor data quality at this position in the ExAC database. This variant has not been reported in the literature in individuals affected with PYCR1-related conditions. Algorithms developed to predict the effect of missense changes on protein structure and function are either unavailable or do not agree on the potential impact of this missense change (SIFT: "Tolerated"; PolyPhen-2: "Possibly Damaging"; Align-GVGD: "Class C0"). In summary, the available evidence is currently insufficient to determine the role of this variant in disease. Therefore, it has been classified as a Variant of Uncertain Significance.